The following is an entry in ClinVar:

NM_001267550.2(TTN):c.67139T>A (p.Ile22380Asn)

Genes: TTN (titin; minus strand), TTN-AS1 (TTN antisense RNA 1; plus strand). Cytogenetic location: 2q31.2.
Variant type: single nucleotide variant.
Coding change: c.67139T>A on transcript NM_001267550.2 (MANE Select); coding-DNA position 67139, T replaced by A.
Protein change: p.Ile22380Asn; replaces isoleucine 22380 with asparagine.
Molecular consequence: missense variant.
Genome position (GRCh38, 1-based): chr2:178,580,148, A>T on the plus strand (T>A on the coding strand, the complement: TTN is on the minus strand). VCF-style: chr2-178580148-A-T. GRCh37 (hg19) VCF-style: chr2-179444875-A-T.
Other names: p.I20739N:ATT>AAT; c.62216T>A, p.Ile20739Asn (NM_001256850.1); c.39944T>A, p.Ile13315Asn (NM_003319.4); c.59435T>A, p.Ile19812Asn (NM_133378.4); c.40319T>A, p.Ile13440Asn (NM_133432.3); c.40520T>A, p.Ile13507Asn (NM_133437.4); short protein forms I20739N, I22380N, I13440N, I13507N, I19812N, I13315N.
Identifiers: ClinVar variation 202806 (VCV000202806.3), dbSNP rs773461641, ClinGen allele CA310346.

ClinVar aggregate classification (germline): Uncertain significance. Review status: criteria provided, multiple submitters, no conflicts (2 of 4 stars). 2 submissions from 2 submitters: Uncertain significance (2). Last evaluated 2019-11-21.

Conditions:
Primary dilated cardiomyopathy (DCM). Also called: Dilated Cardiomyopathy. Identifiers: Orphanet 217604, MedGen C0007193, MeSH D002311, MONDO:0005021, HP:0001644. Inheritance: Various modes of inheritance.

gnomAD v4.1: 2 of 1,613,332 alleles (0.00012%); highest among the groups gnomAD compares: Non-Finnish European, 0.00017%; no homozygotes.

Submissions (2):

Cambridge Genomics Laboratory, East Genomic Laboratory Hub, NHS Genomic Medicine Service
Classification: Uncertain significance for Primary dilated cardiomyopathy. Last evaluated: 2019-11-21. Review status: criteria provided, single submitter. Criteria: ACGS Best Practice Guidelines for Variant Classification in Rare Disease 2020. Collection method: clinical testing. Allele origin: germline. Affected: yes. Observed: 1 variant allele.

GeneDx
Classification: Uncertain significance. Last evaluated: 2017-04-07. Review status: criteria provided, single submitter. Criteria: GeneDx Variant Classification (06012015). Collection method: clinical testing. Allele origin: germline. Affected: yes.
Comment: Missense variants in the TTN gene are considered 'unclassified' if they are not previously reported in the literature and do not have >1% frequency in the population to be considered a polymorphism. Research indicates that truncating variants in the TTN gene are expected to account for approximately 25% of familial and 18% of sporadic idiopathic DCM; however, truncating variants in the TTN gene have been reported in approximately 3% of reported control alleles. There has been little investigation into non-truncating variants. (Herman D et al. Truncations of titin causing dilated cardiomyopathy. N Eng J Med 366:619-628, 2012). Therefore, based on the currently available information, it is unclear whether this variant is a pathogenic variant or a rare benign variant.